The following is an entry in ClinVar:

NM_006031.6(PCNT):c.9073G>A (p.Asp3025Asn)

Gene: PCNT (pericentrin; plus strand). Cytogenetic location: 21q22.3.
Variant type: single nucleotide variant.
Coding change: c.9073G>A on transcript NM_006031.6 (MANE Select); coding-DNA position 9073, G replaced by A.
Protein change: p.Asp3025Asn; replaces aspartic acid 3025 with asparagine.
Molecular consequence: missense variant.
Genome position (GRCh38, 1-based): chr21:46,437,055, G>A. VCF-style: chr21-46437055-G-A. GRCh37 (hg19) VCF-style: chr21-47856968-G-A.
Other names: c.8482G>A, p.Asp2828Asn (NM_001315529.2); short protein forms D3025N, D2828N.
Identifiers: ClinVar variation 4985884 (VCV004985884.1).

ClinVar aggregate classification (germline): Uncertain significance (1 of 4 stars; one submission).

Conditions:
PCNT-related disorder. Also called: PCNT-related condition.

gnomAD v4.1: 58 of 1,613,928 alleles (0.0036%); highest among the groups gnomAD compares: Non-Finnish European, 0.0043%; no homozygotes.

Submission:

PreventionGenetics, part of Exact Sciences
Classification: Uncertain significance for PCNT-related condition. Last evaluated: 2024-12-03. Review status: criteria provided, single submitter. Criteria: ACMG Guidelines, 2015. Collection method: clinical testing. Allele origin: germline.
Comment: The PCNT c.9073G>A variant is predicted to result in the amino acid substitution p.Asp3025Asn. To our knowledge, this variant has not been reported in the literature. This variant is reported in 0.0080% of alleles in individuals of European (Finnish) descent in gnomAD. At this time, the clinical significance of this variant is uncertain due to the absence of conclusive functional and genetic evidence.